The following is an entry in ClinVar:

NM_004371.4(COPA):c.3653T>C (p.Ile1218Thr)

Gene: COPA (coat protein complex I subunit alpha; minus strand). Cytogenetic location: 1q23.2.
Variant type: single nucleotide variant.
Coding change: c.3653T>C on transcript NM_004371.4 (MANE Select); coding-DNA position 3653, T replaced by C.
Protein change: p.Ile1218Thr; replaces isoleucine 1218 with threonine.
Molecular consequence: missense variant.
Genome position (GRCh38, 1-based): chr1:160,290,179, A>G on the plus strand (T>C on the coding strand, the complement: COPA is on the minus strand). VCF-style: chr1-160290179-A-G. GRCh37 (hg19) VCF-style: chr1-160259969-A-G.
Other names: c.3680T>C, p.Ile1227Thr (NM_001098398.2); short protein forms I1218T, I1227T.
Identifiers: ClinVar variation 1360474 (VCV001360474.6), dbSNP rs2101817753, ClinGen allele CA343268179.

ClinVar aggregate classification (germline): Uncertain significance (1 of 4 stars; one submission).

Conditions:
Autoimmune interstitial lung disease-arthritis syndrome. Also called: Autoinflammation and autoimmunity, systemic, with immune dysregulation. Identifiers: Orphanet 444092, MedGen C5975714, MONDO:0014629.

Submission:

Labcorp Genetics (formerly Invitae), Labcorp
Classification: Uncertain significance for Autoimmune interstitial lung disease-arthritis syndrome. Last evaluated: 2022-08-23. Review status: criteria provided, single submitter. Criteria: Invitae Variant Classification Sherloc (09022015). Collection method: clinical testing. Allele origin: germline.
Comment: This sequence change replaces isoleucine, which is neutral and non-polar, with threonine, which is neutral and polar, at codon 1218 of the COPA protein (p.Ile1218Thr). This variant is not present in population databases (gnomAD no frequency). In summary, the available evidence is currently insufficient to determine the role of this variant in disease. Therefore, it has been classified as a Variant of Uncertain Significance. Advanced modeling of protein sequence and biophysical properties (such as structural, functional, and spatial information, amino acid conservation, physicochemical variation, residue mobility, and thermodynamic stability) performed at Invitae indicates that this missense variant is not expected to disrupt COPA protein function. ClinVar contains an entry for this variant (Variation ID: 1360474). This variant has not been reported in the literature in individuals affected with COPA-related conditions.